The following is an entry in ClinVar:

NM_000090.4(COL3A1):c.3477C>T (p.Pro1159=)

Gene: COL3A1 (collagen type III alpha 1 chain; plus strand). Cytogenetic location: 2q32.2.
Variant type: single nucleotide variant.
Coding change: c.3477C>T on transcript NM_000090.4 (MANE Select); coding-DNA position 3477, C replaced by T.
Protein change: p.Pro1159=; no amino-acid change (proline 1159 retained).
Molecular consequence: synonymous variant.
Genome position (GRCh38, 1-based): chr2:189,008,094, C>T. VCF-style: chr2-189008094-C-T. GRCh37 (hg19) VCF-style: chr2-189872820-C-T.
Identifiers: ClinVar variation 3071715 (VCV003071715.1), dbSNP rs1243317401, ClinGen allele CA430313673.

ClinVar aggregate classification (germline): Likely benign (1 of 4 stars; one submission).

Conditions:
Ehlers-Danlos syndrome, type 4 (EDSVASC). Also called: Ehlers-Danlos Syndrome Type IV; Ehlers-Danlos syndrome vascular type; Ehlers Danlos syndrome, ecchymotic type; Ehlers Danlos syndrome, arterial type; Ehlers Danlos syndrome, Sack-Barabas type. Identifiers: Orphanet 286, MedGen C0268338, MONDO:0017314, OMIM 130050.

Allele frequency attached by ClinVar (database versions not stated): gnomAD 0.00001.
gnomAD v4.1: 3 of 1,613,838 alleles (0.00019%); highest among the groups gnomAD compares: Admixed American, 0.005%; no homozygotes.

Submission:

All of Us Research Program, National Institutes of Health
Classification: Likely benign for Ehlers-Danlos syndrome, type 4. Last evaluated: 2023-06-26. Review status: criteria provided, single submitter. Criteria: ACMG Guidelines, 2015. Collection method: clinical testing. Allele origin: germline. Inheritance: Autosomal dominant inheritance. Observed: 1 variant allele, 1 heterozygote.
Comment: This study involves interpretation of variants in research participants for the purpose of population health screening. Participant phenotype was not available at the time of variant classification. Additional details can be found in publication PMID: 35346344, PMCID: PMC8962531